The following is an entry in ClinVar:

ClinVar aggregate classification (germline): Uncertain significance. Review status: criteria provided, multiple submitters, no conflicts (2 of 4 stars). 6 submissions from 3 submitters: Uncertain significance (6). Last evaluated 2023-04-11.

Conditions:
Age related macular degeneration 4. Identifiers: MedGen C1853147, MONDO:0012540, OMIM 610698.
Hemolytic uremic syndrome, atypical, susceptibility to, 1. Also called: AHUS, SUSCEPTIBILITY TO, 1. Identifiers: Orphanet 2134, Orphanet 90038, MedGen C2749604, MONDO:0009335, OMIM 235400. Disease mechanism: Other.
Factor H deficiency (CFHD). Also called: COMPLEMENT FACTOR H DEFICIENCY; CFH DEFICIENCY. Identifiers: Orphanet 200421, MedGen C0398777, MONDO:0012350, OMIM 609814.
Basal laminar drusen. Also called: DRUSEN OF BRUCH MEMBRANE; DRUSEN, CUTICULAR; DRUSEN, EARLY ADULT-ONSET, GROUPED. Identifiers: Orphanet 75376, MedGen C0730295, MONDO:0007472, OMIM 126700.

Allele frequency attached by ClinVar (database versions not stated): gnomAD exomes 0.00001.
gnomAD v4.1: 21 of 1,614,104 alleles (0.0013%); highest among the groups gnomAD compares: South Asian, 0.02%; no homozygotes.

Submissions (6):

Genome-Nilou Lab
Classification: Uncertain significance for Hemolytic uremic syndrome, atypical, susceptibility to, 1. Last evaluated: 2023-04-11. Review status: criteria provided, single submitter. Criteria: ACMG Guidelines, 2015. Collection method: clinical testing. Allele origin: germline. Affected: no.

Genome-Nilou Lab
Classification: Uncertain significance for Age related macular degeneration 4. Last evaluated: 2023-04-11. Review status: criteria provided, single submitter. Criteria: ACMG Guidelines, 2015. Collection method: clinical testing. Allele origin: germline. Affected: no.

Genome-Nilou Lab
Classification: Uncertain significance for Basal laminar drusen. Last evaluated: 2023-04-11. Review status: criteria provided, single submitter. Criteria: ACMG Guidelines, 2015. Collection method: clinical testing. Allele origin: germline. Affected: no.

Genome-Nilou Lab
Classification: Uncertain significance for Factor H deficiency. Last evaluated: 2023-04-11. Review status: criteria provided, single submitter. Criteria: ACMG Guidelines, 2015. Collection method: clinical testing. Allele origin: germline. Affected: no.

Labcorp Genetics (formerly Invitae), Labcorp
Classification: Uncertain significance. Last evaluated: 2022-10-31. Review status: criteria provided, single submitter. Criteria: Invitae Variant Classification Sherloc (09022015). Collection method: clinical testing. Allele origin: germline.
Comment: In summary, the available evidence is currently insufficient to determine the role of this variant in disease. Therefore, it has been classified as a Variant of Uncertain Significance. Algorithms developed to predict the effect of missense changes on protein structure and function output the following: SIFT: "Tolerated"; PolyPhen-2: "Benign"; Align-GVGD: "Class C0". The glutamine amino acid residue is found in multiple mammalian species, which suggests that this missense change does not adversely affect protein function. ClinVar contains an entry for this variant (Variation ID: 422355). This variant has not been reported in the literature in individuals affected with CFH-related conditions. This variant is present in population databases (no rsID available, gnomAD 0.01%). This sequence change replaces arginine, which is basic and polar, with glutamine, which is neutral and polar, at codon 1149 of the CFH protein (p.Arg1149Gln).

GeneDx
Classification: Uncertain significance. Last evaluated: 2016-10-07. Review status: criteria provided, single submitter. Criteria: GeneDx Variant Classification (06012015). Collection method: clinical testing. Allele origin: germline. Affected: yes.
Comment: The R1149Q variant in the CFH gene has not been reported previously as a pathogenic variant, nor as a benign variant, to our knowledge. The R1149Q variant was not observed in approximately 6500 individuals of European and African American ancestry in the NHLBI Exome Sequencing Project, indicating it is not a common benign variant in these populations. The R1149Q variant is a semi-conservative amino acid substitution, which may impact secondary protein structure as these residues differ in some properties. However, this substitution occurs at a position that is not conserved and in silico analysis predicts this variant likely does not alter the protein structure/function. We interpret R1149Q as a variant of uncertain significance.

NM_000186.4(CFH):c.3446G>A (p.Arg1149Gln)

Gene: CFH (complement factor H; plus strand). Cytogenetic location: 1q31.3.
Variant type: single nucleotide variant.
Coding change: c.3446G>A on transcript NM_000186.4 (MANE Select); coding-DNA position 3446, G replaced by A.
Protein change: p.Arg1149Gln; replaces arginine 1149 with glutamine.
Molecular consequence: missense variant.
Genome position (GRCh38, 1-based): chr1:196,745,952, G>A. VCF-style: chr1-196745952-G-A. GRCh37 (hg19) VCF-style: chr1-196715082-G-A.
Other names: short protein forms R1149Q.
Identifiers: ClinVar variation 422355 (VCV000422355.7), dbSNP rs1064795727, ClinGen allele CA16617032.